The following is an entry in ClinVar:

ClinVar aggregate classification (germline): Uncertain significance. Review status: criteria provided, multiple submitters, no conflicts (2 of 4 stars). 4 submissions from 4 submitters: Uncertain significance (4). Last evaluated 2025-12-22.

Conditions:
Hereditary cancer-predisposing syndrome. Also called: Tumor predisposition; Hereditary Cancer Syndrome; Hereditary neoplastic syndrome; Neoplastic Syndromes, Hereditary. Identifiers: Orphanet 140162, MedGen C0027672, MeSH D009386, MONDO:0015356.
Familial cancer of breast. Also called: BREAST CANCER, FAMILIAL; Hereditary breast cancer; hereditary breast carcinoma. Identifiers: Orphanet 227535, MedGen C0346153, MONDO:0016419, OMIM 114480. Disease mechanism: loss of function.

Allele frequency attached by ClinVar (database versions not stated): gnomAD exomes below 0.00001; TOPMed 0.00001; gnomAD 0.00003.
gnomAD v4.1: 5 of 1,614,100 alleles (0.00031%); highest among the groups gnomAD compares: African/African-American, 0.0067%; no homozygotes.

Submissions (4):

Labcorp Genetics (formerly Invitae), Labcorp
Classification: Uncertain significance for Familial cancer of breast. Last evaluated: 2025-12-22. Review status: criteria provided, single submitter. Criteria: Invitae Variant Classification Sherloc (09022015). Collection method: clinical testing. Allele origin: germline.
Comment: This sequence change replaces cysteine, which is neutral and slightly polar, with arginine, which is basic and polar, at codon 469 of the PALB2 protein (p.Cys469Arg). This variant is present in population databases (no rsID available, gnomAD 0.02%). This variant has not been reported in the literature in individuals affected with PALB2-related conditions. ClinVar contains an entry for this variant (Variation ID: 410192). Invitae Evidence Modeling of protein sequence and biophysical properties (such as structural, functional, and spatial information, amino acid conservation, physicochemical variation, residue mobility, and thermodynamic stability) indicates that this missense variant is not expected to disrupt PALB2 protein function with a negative predictive value of 80%. In summary, the available evidence is currently insufficient to determine the role of this variant in disease. Therefore, it has been classified as a Variant of Uncertain Significance.

Quest Diagnostics Nichols Institute San Juan Capistrano
Classification: Uncertain significance. Last evaluated: 2025-10-29. Review status: criteria provided, single submitter. Criteria: Quest Diagnostics criteria. Collection method: clinical testing. Allele origin: unknown.
Comment: The PALB2 c.1405T>C (p.Cys469Arg) variant has not been reported in individuals with PALB2-related conditions in the published literature. The frequency of this variant in the general population (Genome Aggregation Database) is uninformative in the assessment of its pathogenicity. Analysis of this variant using bioinformatics tools for the prediction of the effect of amino acid changes on protein structure and function yielded predictions that this variant is benign. Based on the available information, we are unable to determine the clinical significance of this variant.

Ambry Genetics
Classification: Uncertain significance for Hereditary cancer-predisposing syndrome. Last evaluated: 2025-05-08. Review status: criteria provided, single submitter. Criteria: Ambry Variant Classification Scheme 2023. Collection method: clinical testing. Allele origin: germline.
Comment: The p.C469R variant (also known as c.1405T>C), located in coding exon 4 of the PALB2 gene, results from a T to C substitution at nucleotide position 1405. The cysteine at codon 469 is replaced by arginine, an amino acid with highly dissimilar properties. This amino acid position is poorly conserved in available vertebrate species. In addition, this alteration is predicted to be tolerated by in silico analysis. Since supporting evidence is limited at this time, the clinical significance of this alteration remains unclear.

Women's Health and Genetics/Laboratory Corporation of America, LabCorp
Classification: Uncertain significance. Last evaluated: 2022-12-23. Review status: criteria provided, single submitter. Criteria: LabCorp Variant Classification Summary - May 2015. Collection method: clinical testing. Allele origin: germline.

NM_024675.4(PALB2):c.1405T>C (p.Cys469Arg)

Gene: PALB2 (partner and localizer of BRCA2; minus strand). Cytogenetic location: 16p12.2.
Variant type: single nucleotide variant.
Coding change: c.1405T>C on transcript NM_024675.4 (MANE Select); coding-DNA position 1405, T replaced by C.
Protein change: p.Cys469Arg; replaces cysteine 469 with arginine.
Molecular consequence: missense variant.
Genome position (GRCh38, 1-based): chr16:23,635,141, A>G on the plus strand (T>C on the coding strand, the complement: PALB2 is on the minus strand). VCF-style: chr16-23635141-A-G. GRCh37 (hg19) VCF-style: chr16-23646462-A-G.
Other names: short protein forms C469R.
Identifiers: ClinVar variation 410192 (VCV000410192.20), dbSNP rs1060502789, ClinGen allele CA16615100.